The following is an entry in ClinVar:

NM_000238.4(KCNH2):c.2317G>A (p.Gly773Arg)

Gene: KCNH2 (potassium voltage-gated channel subfamily H member 2; minus strand). Cytogenetic location: 7q36.1.
Variant type: single nucleotide variant.
Coding change: c.2317G>A on transcript NM_000238.4 (MANE Select); coding-DNA position 2317, G replaced by A.
Protein change: p.Gly773Arg; replaces glycine 773 with arginine.
Molecular consequence: missense variant. On other transcripts: non-coding transcript variant (2).
Genome position (GRCh38, 1-based): chr7:150,950,249, C>T on the plus strand (G>A on the coding strand, the complement: KCNH2 is on the minus strand). VCF-style: chr7-150950249-C-T. GRCh37 (hg19) VCF-style: chr7-150647337-C-T.
Other names: c.1297G>A, p.Gly433Arg (NM_001204798.2, NM_172057.3); c.2029G>A, p.Gly677Arg (NM_001406753.1, NM_001406756.1); c.2140G>A, p.Gly714Arg (NM_001406755.1); c.2017G>A, p.Gly673Arg (NM_001406757.1); c.2317G>A, p.Gly773Arg (NM_172056.3); short protein forms G433R, G677R, G773R, G673R, G714R.
Identifiers: ClinVar variation 3669355 (VCV003669355.2).
Genomic context (GRCh38, chr7:150,950,249, plus strand): 5'-CGCCCCGCAGGATCTCGATGGAGCCCCGGGAGATGAAGTACAGGGCGGTGAGCAGGTCCC[C>T]AGCATGCACCAGTGTGTCCCCTGGCGGTGCATGTGTGGTCTTGAACTTCATGGCCAGGGC-3'
Protein context (NP_000229.1, residues 763-783): APPGDTLVHA[Gly773Arg]DLLTALYFIS

ClinVar aggregate classification (germline): Uncertain significance (1 of 4 stars; one submission).

Conditions:
Long QT syndrome (LQTS). Identifiers: MedGen C0023976, MeSH D008133, MONDO:0002442. Disease mechanism: loss of function. Inheritance: Various modes of inheritance.

Submission:

Labcorp Genetics (formerly Invitae), Labcorp
Classification: Uncertain significance for Long QT syndrome. Last evaluated: 2024-12-12. Review status: criteria provided, single submitter. Criteria: Invitae Variant Classification Sherloc (09022015). Collection method: clinical testing. Allele origin: germline.
Comment: This sequence change replaces glycine, which is neutral and non-polar, with arginine, which is basic and polar, at codon 773 of the KCNH2 protein (p.Gly773Arg). This variant is not present in population databases (gnomAD no frequency). This variant has not been reported in the literature in individuals affected with KCNH2-related conditions. An algorithm developed to predict the effect of missense changes on protein structure and function (PolyPhen-2) suggests that this variant is likely to be disruptive. In summary, the available evidence is currently insufficient to determine the role of this variant in disease. Therefore, it has been classified as a Variant of Uncertain Significance.